The following is an entry in ClinVar:

NM_000147.5(FUCA1):c.25C>T (p.Arg9Trp)

Gene: FUCA1 (alpha-L-fucosidase 1; minus strand). Cytogenetic location: 1p36.11.
Variant type: single nucleotide variant.
Coding change: c.25C>T on transcript NM_000147.5 (MANE Select); coding-DNA position 25, C replaced by T.
Protein change: p.Arg9Trp; replaces arginine 9 with tryptophan.
Molecular consequence: missense variant. On other transcripts: non-coding transcript variant (4).
Genome position (GRCh38, 1-based): chr1:23,868,262, G>A on the plus strand (C>T on the coding strand, the complement: FUCA1 is on the minus strand). VCF-style: chr1-23868262-G-A. GRCh37 (hg19) VCF-style: chr1-24194752-G-A.
Other names: p.Arg9Trp; short protein forms R9W.
Identifiers: ClinVar variation 2541391 (VCV002541391.3), dbSNP rs534639612, ClinGen allele CA686644.

ClinVar aggregate classification (germline): Uncertain significance. Review status: criteria provided, multiple submitters, no conflicts (2 of 4 stars). 2 submissions from 2 submitters: Uncertain significance (2). Last evaluated 2025-02-12.

Conditions:
Inborn genetic diseases. Identifiers: MedGen C0950123, MeSH D030342.

Allele frequency attached by ClinVar (database versions not stated): TOPMed 0.00003; 1000 Genomes Project 30x 0.00031; gnomAD 0.00001; ExAC 0.00012; 1000 Genomes Project 0.00040.
gnomAD v4.1: 47 of 1,556,466 alleles (0.003%); highest among the groups gnomAD compares: South Asian, 0.018%; no homozygotes.

Submissions (2):

Mayo Clinic Laboratories, Mayo Clinic
Classification: Uncertain significance. Last evaluated: 2025-02-12. Review status: criteria provided, single submitter. Criteria: ACMG Guidelines, 2015. Collection method: clinical testing. Allele origin: germline. Observed: 1 variant allele.
Comment: BP4_moderate, PM2_supporting

Ambry Genetics
Classification: Uncertain significance for Inborn genetic diseases. Last evaluated: 2023-04-27. Review status: criteria provided, single submitter. Criteria: Ambry Variant Classification Scheme 2023. Collection method: clinical testing. Allele origin: germline.